The following is an entry in ClinVar:

ClinVar aggregate classification (germline): Uncertain significance (1 of 4 stars; one submission).

Allele frequency attached by ClinVar (database versions not stated): TOPMed 0.00001.
gnomAD v4.1: 2 of 1,599,568 alleles (0.00013%); highest among the groups gnomAD compares: East Asian, 0.0022%; no homozygotes.

Submission:

Ambry Genetics
Classification: Uncertain significance. Last evaluated: 2021-08-17. Review status: criteria provided, single submitter. Criteria: Ambry Variant Classification Scheme 2023. Collection method: clinical testing. Allele origin: germline.
Comment: The p.T158S variant (also known as c.473C>G), located in coding exon 6 of the BUB1 gene, results from a C to G substitution at nucleotide position 473. The threonine at codon 158 is replaced by serine, an amino acid with similar properties. This amino acid position is conserved. In addition, this alteration is predicted to be tolerated by in silico analysis. Since supporting evidence is limited at this time, the clinical significance of this alteration remains unclear.

NM_004336.5(BUB1):c.473C>G (p.Thr158Ser)

Gene: BUB1 (BUB1 mitotic checkpoint serine/threonine kinase; minus strand). Cytogenetic location: 2q13.
Variant type: single nucleotide variant.
Coding change: c.473C>G on transcript NM_004336.5 (MANE Select); coding-DNA position 473, C replaced by G.
Protein change: p.Thr158Ser; replaces threonine 158 with serine.
Molecular consequence: missense variant.
Genome position (GRCh38, 1-based): chr2:110,669,547, G>C on the plus strand (C>G on the coding strand, the complement: BUB1 is on the minus strand). VCF-style: chr2-110669547-G-C. GRCh37 (hg19) VCF-style: chr2-111427124-G-C.
Other names: c.413C>G, p.Thr138Ser (NM_001278616.2); c.473C>G, p.Thr158Ser (NM_001278617.2); short protein forms T158S, T138S.
Identifiers: ClinVar variation 1742760 (VCV001742760.2), dbSNP rs1409623485, ClinGen allele CA348219392.